The following is an entry in ClinVar:

ClinVar aggregate classification (germline): Uncertain significance (1 of 4 stars; one submission).

Submission:

Labcorp Genetics (formerly Invitae), Labcorp
Classification: Uncertain significance. Last evaluated: 2026-01-06. Review status: criteria provided, single submitter. Criteria: Invitae Variant Classification Sherloc (09022015). Collection method: clinical testing. Allele origin: germline.
Comment: This sequence change replaces alanine, which is neutral and non-polar, with serine, which is neutral and polar, at codon 267 of the UNC45A protein (p.Ala267Ser). This variant is present in population databases (rs751224065, gnomAD 0.003%). This variant has not been reported in the literature in individuals affected with UNC45A-related conditions. An algorithm developed to predict the effect of missense changes on protein structure and function (PolyPhen-2) suggests that this variant is likely to be tolerated. In summary, the available evidence is currently insufficient to determine the role of this variant in disease. Therefore, it has been classified as a Variant of Uncertain Significance.

NM_018671.5(UNC45A):c.799G>T (p.Ala267Ser)

Gene: UNC45A (unc-45 myosin chaperone A; plus strand). Cytogenetic location: 15q26.1.
Variant type: single nucleotide variant.
Coding change: c.799G>T on transcript NM_018671.5 (MANE Select); coding-DNA position 799, G replaced by T.
Protein change: p.Ala267Ser; replaces alanine 267 with serine.
Molecular consequence: missense variant.
Genome position (GRCh38, 1-based): chr15:90,942,548, G>T. VCF-style: chr15-90942548-G-T. GRCh37 (hg19) VCF-style: chr15-91485778-G-T.
Other names: c.754G>T, p.Ala252Ser (NM_001039675.2, NM_001323621.2); c.799G>T, p.Ala267Ser (NM_001323619.1); c.364G>T, p.Ala122Ser (NM_001323620.2); short protein forms A122S, A252S, A267S.
Identifiers: ClinVar variation 4778424 (VCV004778424.1).